The following is an entry in ClinVar:

NM_015331.3(NCSTN):c.1414A>T (p.Ser472Cys)

Gene: NCSTN (nicastrin; plus strand). Cytogenetic location: 1q23.2.
Variant type: single nucleotide variant.
Coding change: c.1414A>T on transcript NM_015331.3 (MANE Select); coding-DNA position 1414, A replaced by T.
Protein change: p.Ser472Cys; replaces serine 472 with cysteine.
Molecular consequence: missense variant.
Genome position (GRCh38, 1-based): chr1:160,355,716, A>T. VCF-style: chr1-160355716-A-T. GRCh37 (hg19) VCF-style: chr1-160325506-A-T.
Other names: c.1354A>T, p.Ser452Cys (NM_001290184.2); c.1000A>T, p.Ser334Cys (NM_001290186.2); c.1414A>T, p.Ser472Cys (NM_001349729.2); short protein forms S334C, S452C, S472C.
Identifiers: ClinVar variation 1503736 (VCV001503736.6), dbSNP rs779921132, ClinGen allele CA1198998.

ClinVar aggregate classification (germline): Uncertain significance (1 of 4 stars; one submission).

Allele frequency attached by ClinVar (database versions not stated): gnomAD exomes 0.00001; ExAC 0.00002.
gnomAD v4.1: 6 of 1,614,224 alleles (0.00037%); highest among the groups gnomAD compares: South Asian, 0.0066%; no homozygotes.

Submission:

Labcorp Genetics (formerly Invitae), Labcorp
Classification: Uncertain significance. Last evaluated: 2024-11-05. Review status: criteria provided, single submitter. Criteria: Invitae Variant Classification Sherloc (09022015). Collection method: clinical testing. Allele origin: germline.
Comment: This sequence change replaces serine, which is neutral and polar, with cysteine, which is neutral and slightly polar, at codon 472 of the NCSTN protein (p.Ser472Cys). This variant is present in population databases (rs779921132, gnomAD 0.01%). This variant has not been reported in the literature in individuals affected with NCSTN-related conditions. ClinVar contains an entry for this variant (Variation ID: 1503736). An algorithm developed to predict the effect of missense changes on protein structure and function (PolyPhen-2) suggests that this variant is likely to be disruptive. In summary, the available evidence is currently insufficient to determine the role of this variant in disease. Therefore, it has been classified as a Variant of Uncertain Significance.